The following is an entry in ClinVar:

ClinVar aggregate classification (germline): Uncertain significance (1 of 4 stars; one submission).

Submission:

Labcorp Genetics (formerly Invitae), Labcorp
Classification: Uncertain significance. Last evaluated: 2023-12-11. Review status: criteria provided, single submitter. Criteria: Invitae Variant Classification Sherloc (09022015). Collection method: clinical testing. Allele origin: germline.
Comment: A copy number gain of the genomic region encompassing the full coding sequence of the TOP1MT gene has been identified. The boundaries of this event are unknown as they extend beyond the assayed region for this gene and therefore may encompass additional genes. As the precise location of this event is unknown, it may be in tandem or it may be located elsewhere in the genome. This variant has not been reported in the literature in individuals affected with TOP1MT-related conditions. In summary, the available evidence is currently insufficient to determine the role of this variant in disease. Therefore, it has been classified as a Variant of Uncertain Significance.

NC_000008.10:g.(?_144391611)_(144417031_?)dup

Gene: TOP1MT (DNA topoisomerase I mitochondrial; minus strand). Cytogenetic location: 8q24.3.
Variant type: Duplication.
Identifiers: ClinVar variation 2427157 (VCV002427157.4).